The following is an entry in ClinVar:

NM_012092.4(ICOS):c.*1025A>G

Gene: ICOS (inducible T cell costimulator; plus strand). Cytogenetic location: 2q33.2.
Variant type: single nucleotide variant.
Coding change: c.*1025A>G on transcript NM_012092.4 (MANE Select); 1025 bases downstream of the stop codon, A replaced by G.
Molecular consequence: 3 prime UTR variant.
Genome position (GRCh38, 1-based): chr2:203,960,624, A>G. VCF-style: chr2-203960624-A-G. GRCh37 (hg19) VCF-style: chr2-204825347-A-G.
Identifiers: ClinVar variation 333752 (VCV000333752.5), dbSNP rs77882417, ClinGen allele CA10613948.

ClinVar aggregate classification (germline): Likely benign (1 of 4 stars; one submission).

Conditions:
Immunodeficiency, common variable, 1. Also called: ANTIBODY DEFICIENCY DUE TO ICOS DEFECT. Identifiers: Orphanet 1572, Orphanet 695183, MedGen C3149378, MONDO:0011864, OMIM 607594.

Allele frequency attached by ClinVar (database versions not stated): 1000 Genomes Project 0.01338; 1000 Genomes Project 30x 0.01374; TOPMed 0.01506.

Submission:

Illumina Laboratory Services, Illumina
Classification: Likely benign for Immunodeficiency, common variable, 1. Last evaluated: 2018-01-13. Review status: criteria provided, single submitter. Criteria: ICSL Variant Classification Criteria 13 December 2019. Collection method: clinical testing. Allele origin: germline.
Comment: This variant was observed in the ICSL laboratory as part of a predisposition screen in an ostensibly healthy population. It had not been previously curated by ICSL or reported in the Human Gene Mutation Database (HGMD: prior to June 1st, 2018), and was therefore a candidate for classification through an automated scoring system. Utilizing variant allele frequency, disease prevalence and penetrance estimates, and inheritance mode, an automated score was calculated to assess if this variant is too frequent to cause the disease. Based on the score and internal cut-off values, a variant classified as likely benign is not then subjected to further curation. The score for this variant resulted in a classification of likely benign for this disease.